The following is an entry in ClinVar:

NM_024577.4(SH3TC2):c.1244G>C (p.Gly415Ala)

Gene: SH3TC2 (SH3 domain and tetratricopeptide repeats 2; minus strand). Cytogenetic location: 5q32.
Variant type: single nucleotide variant.
Coding change: c.1244G>C on transcript NM_024577.4 (MANE Select); coding-DNA position 1244, G replaced by C.
Protein change: p.Gly415Ala; replaces glycine 415 with alanine.
Molecular consequence: missense variant.
Genome position (GRCh38, 1-based): chr5:149,028,488, C>G on the plus strand (G>C on the coding strand, the complement: SH3TC2 is on the minus strand). VCF-style: chr5-149028488-C-G. GRCh37 (hg19) VCF-style: chr5-148408051-C-G.
Other names: short protein forms G415A.
Identifiers: ClinVar variation 1411772 (VCV001411772.8), dbSNP rs1561765509, ClinGen allele CA361669476.

ClinVar aggregate classification (germline): Uncertain significance (1 of 4 stars; one submission).

Conditions:
Charcot-Marie-Tooth disease type 4. Also called: Charcot-Marie-Tooth, Type 4; Charcot-Marie-Tooth disease, type IV. Identifiers: Orphanet 64749, MedGen C4082197, MONDO:0018995.

Submission:

Labcorp Genetics (formerly Invitae), Labcorp
Classification: Uncertain significance for Charcot-Marie-Tooth disease type 4. Last evaluated: 2021-04-18. Review status: criteria provided, single submitter. Criteria: Invitae Variant Classification Sherloc (09022015). Collection method: clinical testing. Allele origin: germline.
Comment: In summary, the available evidence is currently insufficient to determine the role of this variant in disease. Therefore, it has been classified as a Variant of Uncertain Significance. Advanced modeling of protein sequence and biophysical properties (such as structural, functional, and spatial information, amino acid conservation, physicochemical variation, residue mobility, and thermodynamic stability) performed at Invitae indicates that this missense variant is not expected to disrupt SH3TC2 protein function. This variant has not been reported in the literature in individuals with SH3TC2-related conditions. This variant is not present in population databases (ExAC no frequency). This sequence change replaces glycine with alanine at codon 415 of the SH3TC2 protein (p.Gly415Ala). The glycine residue is highly conserved and there is a small physicochemical difference between glycine and alanine.